The following is an entry in ClinVar:

ClinVar aggregate classification (germline): Likely benign. Review status: criteria provided, single submitter (1 of 4 stars). 2 submissions from 2 submitters: Likely benign (1). 1 of the submissions does not count toward it. Last evaluated 2025-09-14.

Conditions:
PCK2-related disorder. Also called: PCK2-related condition.

Allele frequency attached by ClinVar (database versions not stated): gnomAD exomes 0.00006; ExAC 0.00019; ESP Exome Variant Server 0.00054; gnomAD 0.00072; TOPMed 0.00094; 1000 Genomes Project 0.00140; 1000 Genomes Project 30x 0.00141.
gnomAD v4.1: 211 of 1,613,992 alleles (0.013%); highest among the groups gnomAD compares: African/African-American, 0.22%; no homozygotes.

Submissions (2):

Labcorp Genetics (formerly Invitae), Labcorp
Classification: Likely benign. Last evaluated: 2025-09-14. Review status: criteria provided, single submitter. Criteria: Invitae Variant Classification Sherloc (09022015). Collection method: clinical testing. Allele origin: germline.

PreventionGenetics, part of Exact Sciences
Classification: Likely benign for PCK2-related condition. Last evaluated: 2022-07-24. Review status: no assertion criteria provided. Collection method: clinical testing. Allele origin: germline. Not counted in ClinVar's aggregate classification.
Comment: This variant is classified as likely benign based on ACMG/AMP sequence variant interpretation guidelines (Richards et al. 2015 PMID: 25741868, with internal and published modifications).

NM_004563.4(PCK2):c.1322C>T (p.Pro441Leu)

Genes: NRL (neural retina leucine zipper; minus strand), PCK2 (phosphoenolpyruvate carboxykinase 2, mitochondrial; plus strand). Cytogenetic location: 14q12.
Variant type: single nucleotide variant.
Coding change: c.1322C>T on transcript NM_004563.4 (MANE Select); coding-DNA position 1322, C replaced by T.
Protein change: p.Pro441Leu; replaces proline 441 with leucine.
Molecular consequence: missense variant. On other transcripts: intron variant (3).
Genome position (GRCh38, 1-based): chr14:24,102,840, C>T. VCF-style: chr14-24102840-C-T. GRCh37 (hg19) VCF-style: chr14-24572049-C-T.
Other names: c.920C>T, p.Pro307Leu (NM_001291556.2, NM_001308054.2); c.-28+11882G>A (NM_001354768.3, NM_001354770.2); c.-254+11882G>A (NM_006177.5); short protein forms P307L, P441L.
Identifiers: ClinVar variation 2068721 (VCV002068721.6), dbSNP rs143639714, ClinGen allele CA7123448.